The following is an entry in ClinVar:

ClinVar aggregate classification (germline): Uncertain significance (1 of 4 stars; one submission).

gnomAD v4.1: 96 of 1,598,040 alleles (0.006%); highest among the groups gnomAD compares: Non-Finnish European, 0.0079%; no homozygotes.

Submission:

Labcorp Genetics (formerly Invitae), Labcorp
Classification: Uncertain significance. Last evaluated: 2025-06-20. Review status: criteria provided, single submitter. Criteria: Invitae Variant Classification Sherloc (09022015). Collection method: clinical testing. Allele origin: germline.
Comment: This sequence change replaces alanine, which is neutral and non-polar, with proline, which is neutral and non-polar, at codon 436 of the FUK protein (p.Ala436Pro). This variant is present in population databases (rs368973788, gnomAD 0.02%). This variant has not been reported in the literature in individuals affected with FUK-related conditions. ClinVar contains an entry for this variant (Variation ID: 2903012). An algorithm developed to predict the effect of missense changes on protein structure and function (PolyPhen-2) suggests that this variant is likely to be disruptive. In summary, the available evidence is currently insufficient to determine the role of this variant in disease. Therefore, it has been classified as a Variant of Uncertain Significance.

NM_145059.3(FCSK):c.1306G>C (p.Ala436Pro)

Gene: FCSK (fucose kinase; plus strand). Cytogenetic location: 16q22.1.
Variant type: single nucleotide variant.
Coding change: c.1306G>C on transcript NM_145059.3 (MANE Select); coding-DNA position 1306, G replaced by C.
Protein change: p.Ala436Pro; replaces alanine 436 with proline.
Molecular consequence: missense variant.
Genome position (GRCh38, 1-based): chr16:70,471,317, G>C. VCF-style: chr16-70471317-G-C. GRCh37 (hg19) VCF-style: chr16-70505220-G-C.
Other names: short protein forms A436P.
Identifiers: ClinVar variation 2903012 (VCV002903012.3), dbSNP rs368973788, ClinGen allele CA8143271.